The following is an entry in ClinVar:

ClinVar aggregate classification (germline): Uncertain significance (1 of 4 stars; one submission).

Allele frequency attached by ClinVar (database versions not stated): gnomAD exomes 0.00001; ExAC 0.00002.
gnomAD v4.1: 7 of 1,609,100 alleles (0.00044%); highest among the groups gnomAD compares: Non-Finnish European, 0.00059%; no homozygotes.

Submission:

Labcorp Genetics (formerly Invitae), Labcorp
Classification: Uncertain significance. Last evaluated: 2022-02-24. Review status: criteria provided, single submitter. Criteria: Invitae Variant Classification Sherloc (09022015). Collection method: clinical testing. Allele origin: germline.
Comment: In summary, the available evidence is currently insufficient to determine the role of this variant in disease. Therefore, it has been classified as a Variant of Uncertain Significance. Algorithms developed to predict the effect of missense changes on protein structure and function output the following: SIFT: "Tolerated"; PolyPhen-2: "Benign"; Align-GVGD: "Class C0". The arginine amino acid residue is found in multiple mammalian species, which suggests that this missense change does not adversely affect protein function. This variant has not been reported in the literature in individuals affected with MCM4-related conditions. This variant is present in population databases (rs752922408, gnomAD 0.002%). This sequence change replaces histidine, which is basic and polar, with arginine, which is basic and polar, at codon 76 of the MCM4 protein (p.His76Arg).

NM_182746.3(MCM4):c.227A>G (p.His76Arg)

Gene: MCM4 (minichromosome maintenance complex component 4; plus strand). Cytogenetic location: 8q11.21.
Variant type: single nucleotide variant.
Coding change: c.227A>G on transcript NM_182746.3 (MANE Select); coding-DNA position 227, A replaced by G.
Protein change: p.His76Arg; replaces histidine 76 with arginine.
Molecular consequence: missense variant.
Genome position (GRCh38, 1-based): chr8:47,961,672, A>G. VCF-style: chr8-47961672-A-G. GRCh37 (hg19) VCF-style: chr8-48874232-A-G.
Other names: c.227A>G, p.His76Arg (NM_005914.4); short protein forms H76R.
Identifiers: ClinVar variation 1509961 (VCV001509961.8), dbSNP rs752922408, ClinGen allele CA4742209.
Genomic context (GRCh38, chr8:47,961,672, plus strand): 5'-GAGTGGACCTGCAGAGCCCTGCTGCGCAGGACGTGCTGTTTTCCAGCCCTCCCCAAATGC[A>G]TTCTTCAGGTGCGTGTCTGAAGATCTTGGTTTTGCTGTGCTTGATACACAGCTGATGCTT-3'
Protein context (NP_877423.1, residues 66-86): DVLFSSPPQM[His76Arg]SSAIPLDFDV